The following is an entry in ClinVar:

ClinVar aggregate classification (germline): Pathogenic. Review status: criteria provided, multiple submitters, no conflicts (2 of 4 stars). 2 submissions from 2 submitters: Pathogenic (2). Last evaluated 2025-03-13.

Conditions:
Cerebroretinal microangiopathy with calcifications and cysts 1 (CRMCC1). Identifiers: Orphanet 313838, MedGen C4552029, MONDO:0024564, OMIM 612199.
Dyskeratosis congenita. Identifiers: Orphanet 1775, MedGen C0265965, MONDO:0015780.

Allele frequency attached by ClinVar (database versions not stated): gnomAD exomes below 0.00001; gnomAD 0.00001.
gnomAD v4.1: 5 of 1,612,286 alleles (0.00031%); highest among the groups gnomAD compares: Non-Finnish European, 0.00042%; no homozygotes.

Submissions (2):

Labcorp Genetics (formerly Invitae), Labcorp
Classification: Pathogenic for Dyskeratosis congenita. Last evaluated: 2025-03-13. Review status: criteria provided, single submitter. Criteria: Invitae Variant Classification Sherloc (09022015). Collection method: clinical testing. Allele origin: germline.
Comment: This sequence change creates a premature translational stop signal (p.Glu861*) in the CTC1 gene. It is expected to result in an absent or disrupted protein product. Loss-of-function variants in CTC1 are known to be pathogenic (PMID: 22267198, 22387016). This variant is not present in population databases (gnomAD no frequency). This variant has not been reported in the literature in individuals affected with CTC1-related conditions. ClinVar contains an entry for this variant (Variation ID: 1322170). Algorithms developed to predict the effect of sequence changes on RNA splicing suggest that this variant may disrupt the consensus splice site. For these reasons, this variant has been classified as Pathogenic.

Revvity Omics, Revvity
Classification: Pathogenic for Cerebroretinal microangiopathy with calcifications and cysts 1. Last evaluated: 2020-10-04. Review status: criteria provided, single submitter. Criteria: ACMG Guidelines, 2015. Collection method: clinical testing. Allele origin: germline.

Literature cited by the submitters: PubMed 22267198 (cited by Labcorp Genetics (formerly Invitae), Labcorp); PubMed 22387016 (cited by Labcorp Genetics (formerly Invitae), Labcorp).

NM_025099.6(CTC1):c.2581G>T (p.Glu861Ter)

Gene: CTC1 (CST telomere replication complex component 1; minus strand). Cytogenetic location: 17p13.1.
Variant type: single nucleotide variant.
Coding change: c.2581G>T on transcript NM_025099.6 (MANE Select); coding-DNA position 2581, G replaced by T.
Protein change: p.Glu861Ter; replaces glutamic acid 861 with a stop codon.
Molecular consequence: nonsense. On other transcripts: non-coding transcript variant (1).
Genome position (GRCh38, 1-based): chr17:8,231,364, C>A on the plus strand (G>T on the coding strand, the complement: CTC1 is on the minus strand). VCF-style: chr17-8231364-C-A. GRCh37 (hg19) VCF-style: chr17-8134682-C-A.
Other names: short protein forms E861*.
Identifiers: ClinVar variation 1322170 (VCV001322170.9), dbSNP rs1987206904, ClinGen allele CA397975775.